The following is an entry in ClinVar:

NM_001458.5(FLNC):c.2533G>T (p.Val845Leu)

Gene: FLNC (filamin C; plus strand). Cytogenetic location: 7q32.1.
Variant type: single nucleotide variant.
Coding change: c.2533G>T on transcript NM_001458.5 (MANE Select); coding-DNA position 2533, G replaced by T.
Protein change: p.Val845Leu; replaces valine 845 with leucine.
Molecular consequence: missense variant.
Genome position (GRCh38, 1-based): chr7:128,842,937, G>T. VCF-style: chr7-128842937-G-T. GRCh37 (hg19) VCF-style: chr7-128482991-G-T.
Other names: c.2533G>T, p.Val845Leu (NM_001127487.2); short protein forms V845L.
Identifiers: ClinVar variation 3337119 (VCV003337119.4).

ClinVar aggregate classification (germline): Uncertain significance. Review status: criteria provided, multiple submitters, no conflicts (2 of 4 stars). 3 submissions from 3 submitters: Uncertain significance (3). Last evaluated 2024-08-14.

Conditions:
Hypertrophic cardiomyopathy 26. Also called: Cardiomyopathy, familial hypertrophic, 26. Identifiers: Orphanet 75249, MedGen C4310749, MONDO:0014883, OMIM 617047.
Myofibrillar myopathy 5. Also called: Filaminopathy (type); FILAMINOPATHY, AUTOSOMAL DOMINANT. Identifiers: Orphanet 171445, MedGen C1836050, MONDO:0012289, OMIM 609524.
Distal myopathy with posterior leg and anterior hand involvement. Also called: WILLIAMS DISTAL MYOPATHY. Identifiers: Orphanet 63273, MedGen C3279722, MONDO:0013550, OMIM 614065.

Submissions (3):

Labcorp Genetics (formerly Invitae), Labcorp
Classification: Uncertain significance for Distal myopathy with posterior leg and anterior hand involvement; Myofibrillar myopathy 5; Hypertrophic cardiomyopathy 26. Last evaluated: 2024-08-14. Review status: criteria provided, single submitter. Criteria: Invitae Variant Classification Sherloc (09022015). Collection method: clinical testing. Allele origin: germline.
Comment: This sequence change replaces valine, which is neutral and non-polar, with leucine, which is neutral and non-polar, at codon 845 of the FLNC protein (p.Val845Leu). This variant is present in population databases (rs761151219, gnomAD 0.0009%). This variant has not been reported in the literature in individuals affected with FLNC-related conditions. Invitae Evidence Modeling of protein sequence and biophysical properties (such as structural, functional, and spatial information, amino acid conservation, physicochemical variation, residue mobility, and thermodynamic stability) has been performed for this missense variant. However, the output from this modeling did not meet the statistical confidence thresholds required to predict the impact of this variant on FLNC protein function. In summary, the available evidence is currently insufficient to determine the role of this variant in disease. Therefore, it has been classified as a Variant of Uncertain Significance.

Clinical Genetics Laboratory, Skane University Hospital Lund
Classification: Uncertain significance. Last evaluated: 2022-05-31. Review status: criteria provided, single submitter. Criteria: ACMG Guidelines, 2015. Collection method: clinical testing. Allele origin: germline. Affected: yes.

Blueprint Genetics
Classification: Uncertain significance. Last evaluated: 2019-10-14. Review status: criteria provided, single submitter. Criteria: ACMG Guidelines, 2015. Collection method: clinical testing. Allele origin: germline.